The following is an entry in ClinVar:

ClinVar aggregate classification (germline): Uncertain significance (1 of 4 stars; one submission).

Conditions:
Dyskeratosis congenita. Identifiers: Orphanet 1775, MedGen C0265965, MONDO:0015780.

Allele frequency attached by ClinVar (database versions not stated): gnomAD exomes 0.00001; ExAC 0.00002.
gnomAD v4.1: 13 of 1,614,156 alleles (0.00081%); highest among the groups gnomAD compares: African/African-American, 0.0027%; no homozygotes.

Submission:

Labcorp Genetics (formerly Invitae), Labcorp
Classification: Uncertain significance for Dyskeratosis congenita. Last evaluated: 2021-09-01. Review status: criteria provided, single submitter. Criteria: Invitae Variant Classification Sherloc (09022015). Collection method: clinical testing. Allele origin: germline.
Comment: In summary, the available evidence is currently insufficient to determine the role of this variant in disease. Therefore, it has been classified as a Variant of Uncertain Significance. Algorithms developed to predict the effect of missense changes on protein structure and function are either unavailable or do not agree on the potential impact of this missense change (SIFT: "Deleterious"; PolyPhen-2: "Probably Damaging"; Align-GVGD: "Class C0"). This variant has not been reported in the literature in individuals affected with CTC1-related conditions. This variant is present in population databases (rs750387015, ExAC 0.009%). This sequence change replaces arginine with histidine at codon 806 of the CTC1 protein (p.Arg806His). The arginine residue is moderately conserved and there is a small physicochemical difference between arginine and histidine.

NM_025099.6(CTC1):c.2417G>A (p.Arg806His)

Gene: CTC1 (CST telomere replication complex component 1; minus strand). Cytogenetic location: 17p13.1.
Variant type: single nucleotide variant.
Coding change: c.2417G>A on transcript NM_025099.6 (MANE Select); coding-DNA position 2417, G replaced by A.
Protein change: p.Arg806His; replaces arginine 806 with histidine.
Molecular consequence: missense variant. On other transcripts: non-coding transcript variant (1).
Genome position (GRCh38, 1-based): chr17:8,231,784, C>T on the plus strand (G>A on the coding strand, the complement: CTC1 is on the minus strand). VCF-style: chr17-8231784-C-T. GRCh37 (hg19) VCF-style: chr17-8135102-C-T.
Other names: short protein forms R806H.
Identifiers: ClinVar variation 1370086 (VCV001370086.4), dbSNP rs750387015, ClinGen allele CA8372086.